The following is an entry in ClinVar:

ClinVar aggregate classification (germline): Benign/Likely benign. Review status: criteria provided, multiple submitters, no conflicts (2 of 4 stars). 2 submissions from 2 submitters: Benign (1); Likely benign (1). Last evaluated 2026-03-06.

Conditions:
KCNQ1-related disorder. Also called: KCNQ1-related disorders; KCNQ1-related condition. Identifiers: MedGen CN239322.

Allele frequency attached by ClinVar (database versions not stated): gnomAD exomes 0.00064; gnomAD 0.00068; 1000 Genomes Project 0.00080; TOPMed 0.00093; 1000 Genomes Project 30x 0.00094.
gnomAD v4.1: 262 of 398,456 alleles (0.066%); highest among the groups gnomAD compares: Admixed American, 0.26%; no homozygotes.

Submissions (2):

PreventionGenetics, part of Exact Sciences
Classification: Likely benign for KCNQ1-related condition. Last evaluated: 2026-03-06. Review status: criteria provided, single submitter. Criteria: ACMG Guidelines, 2015. Collection method: clinical testing. Allele origin: germline.
Comment: This variant is classified as likely benign based on ACMG/AMP sequence variant interpretation guidelines (Richards et al. 2015 PMID: 25741868, with internal and published modifications).

CeGaT Center for Human Genetics Tuebingen
Classification: Benign. Last evaluated: 2024-02-01. Review status: criteria provided, single submitter. Criteria: CeGaT Center For Human Genetics Tuebingen Variant Classification Criteria Version 2. Collection method: clinical testing. Allele origin: germline. Affected: yes. Observed: 6 variant alleles.
Comment: KCNQ1OT1: BS1, BS2

NM_000218.3(KCNQ1):c.1394-28889C>T

Genes: KCNQ1 (potassium voltage-gated channel subfamily Q member 1; plus strand), KCNQ1OT1 (KCNQ1 opposite strand/antisense transcript 1; minus strand). Cytogenetic location: 11p15.5.
Variant type: single nucleotide variant.
Coding change: c.1394-28889C>T on transcript NM_000218.3 (MANE Select); 28889 bases into the intron before coding-DNA position 1394, C replaced by T.
Molecular consequence: intron variant.
Genome position (GRCh38, 1-based): chr11:2,633,072, C>T. VCF-style: chr11-2633072-C-T. GRCh37 (hg19) VCF-style: chr11-2654302-C-T.
Other names: c.1124-28889C>T (NM_001406837.1); c.1298-28889C>T (NM_001406836.1); c.854-28889C>T (NM_001406838.1); c.1013-28889C>T (NM_181798.2); c.1394-28889C>T (NM_000218.2).
Identifiers: ClinVar variation 1711280 (VCV001711280.31), dbSNP rs530650428, ClinGen allele CA216146929.
Genomic context (GRCh38, chr11:2,633,072, plus strand): 5'-TCACTAATTTATAGTCCCACAAATAGTGTATTATTTCCCTTTTCTCTGCATCCTTGCCAG[C>T]ATTTGTTATGTTTTGTCTTTTTGAAAACAGCCATTCTAACTGAGGTGAAATAATGTCTCA-3'